The following is an entry in ClinVar:

NM_001197224.4(BEAN1):c.152-2530A>C

Gene: BEAN1 (brain expressed associated with NEDD4 1; plus strand). Cytogenetic location: 16q21.
Variant type: single nucleotide variant.
Coding change: c.152-2530A>C on transcript NM_001197224.4; 2530 bases into the intron before coding-DNA position 152, A replaced by C.
Molecular consequence: intron variant.
Genome position (GRCh38, 1-based): chr16:66,490,432, A>C. VCF-style: chr16-66490432-A-C. GRCh37 (hg19) VCF-style: chr16-66524335-A-C.
Identifiers: ClinVar variation 4281285 (VCV004281285.7).

ClinVar aggregate classification (germline): Likely benign (1 of 4 stars; one submission).

Submission:

CeGaT Center for Human Genetics Tuebingen
Classification: Likely benign. Last evaluated: 2025-10-01. Review status: criteria provided, single submitter. Criteria: CeGaT Center For Human Genetics Tuebingen Variant Classification Criteria Version 2. Collection method: clinical testing. Allele origin: germline. Affected: yes. Observed: 2 variant alleles.
Comment: BEAN1: BS2